The following is an entry in ClinVar:

ClinVar aggregate classification (germline): Likely pathogenic (1 of 4 stars; one submission).

Conditions:
Cornelia de Lange syndrome 1 (CDLS1). Also called: NIPBL-Related Cornelia de Lange Syndrome; TYPUS DEGENERATIVUS AMSTELODAMENSIS; Brachmann de Lange syndrome. Identifiers: Orphanet 199, MedGen C4551851, MONDO:0007387, OMIM 122470.

Submission:

3billion
Classification: Likely pathogenic for Cornelia de Lange syndrome 1. Last evaluated: 2021-10-02. Review status: criteria provided, single submitter. Criteria: ACMG Guidelines, 2015. Collection method: clinical testing. Allele origin: unknown. Affected: yes. Observed: 1 heterozygote.
Comment: Frameshift: predicted to result in a loss or disruption of normal protein function through nonsense-mediated decay (NMD) or protein truncation. Multiple pathogenic variants are reported downstream of the variant (PVS1_VS). It is not observed in the gnomAD v2.1.1 dataset (PM2). Therefore, this variant is classified as likely pathogenic according to the recommendation of ACMG/AMP guideline.

NM_133433.4(NIPBL):c.5982del (p.Asn1994fs)

Gene: NIPBL (NIPBL cohesin loading factor; plus strand). Cytogenetic location: 5p13.2.
Variant type: Deletion.
Coding change: c.5982del on transcript NM_133433.4 (MANE Select); coding-DNA position 5982, one base deleted (T; older notation c.5982delT).
Protein change: p.Asn1994fs; shifts the reading frame from asparagine 1994.
Molecular consequence: frameshift variant.
Genome position (GRCh38, 1-based): chr5:37,038,612, T deleted. VCF-style (leftmost placement, unchanged base first): chr5-37038611-AT-A. GRCh37 (hg19) VCF-style: chr5-37038713-AT-A.
Other names: c.5982del, p.Asn1994fs (NM_015384.5); short protein forms N1994fs.
Identifiers: ClinVar variation 1320196 (VCV001320196.1), dbSNP rs2149721379, ClinGen allele CA2573052505.